The following is an entry in ClinVar:

ClinVar aggregate classification (germline): Benign. Review status: criteria provided, multiple submitters, no conflicts (2 of 4 stars). 2 submissions from 2 submitters: Benign (2). Last evaluated 2018-06-14.

Allele frequency attached by ClinVar (database versions not stated): 1000 Genomes Project 0.09944; 1000 Genomes Project 30x 0.09603; TOPMed 0.15103; gnomAD 0.16898 and 0.16680; gnomAD exomes 0.20749.

Submissions (2):

GeneDx
Classification: Benign. Last evaluated: 2018-06-14. Review status: criteria provided, single submitter. Criteria: GeneDx Variant Classification (06012015). Collection method: clinical testing. Allele origin: germline. Affected: yes.
Comment: This variant is considered likely benign or benign based on one or more of the following criteria: it is a conservative change, it occurs at a poorly conserved position in the protein, it is predicted to be benign by multiple in silico algorithms, and/or has population frequency not consistent with disease.

Breakthrough Genomics
Classification: Benign. Review status: criteria provided, single submitter. Criteria: ACMG Guidelines, 2015. Collection method: not provided. Allele origin: germline. Inheritance: Autosomal dominant inheritance. Affected: yes.

NM_000264.3(PTCH1):c.-8727A>T

Gene: PTCH1 (patched 1; minus strand). Cytogenetic location: 9q22.32.
Variant type: single nucleotide variant.
Coding change: c.-8727A>T on transcript NM_000264.3; 8727 bases upstream of the start codon, A replaced by T.
Genome position (GRCh38, 1-based): chr9:95,517,088, T>A on the plus strand (A>T on the coding strand, the complement: PTCH1 is on the minus strand). VCF-style: chr9-95517088-T-A. GRCh37 (hg19) VCF-style: chr9-98279370-T-A.
Identifiers: ClinVar variation 668604 (VCV000668604.4), dbSNP rs28704635, ClinGen allele CA12993890.